The following is an entry in ClinVar:

ClinVar aggregate classification (germline): Likely benign. Review status: criteria provided, multiple submitters, no conflicts (2 of 4 stars). 4 submissions from 4 submitters: Likely benign (3). 1 of the submissions does not count toward it. Last evaluated 2026-01-02.

Conditions:
Familial thoracic aortic aneurysm and aortic dissection (TAAD). Also called: Thoracic aortic aneurysms and dissections. Identifiers: Orphanet 91387, MedGen C4707243, MONDO:0019625.
Marfan syndrome (MFS). Also called: Marfan syndrome type 1; Marfan's syndrome; Marfan syndrome, classic; MARFAN SYNDROME, TYPE I; FBN1-Related Marfan Syndrome. Identifiers: Orphanet 284963, Orphanet 558, MedGen C0024796, MONDO:0007947, OMIM 154700.
FBN1-related disorder. Also called: FBN1-related disorders.

Allele frequency attached by ClinVar (database versions not stated): ExAC 0.00005; TOPMed below 0.00001; gnomAD exomes 0.00005.
gnomAD v4.1: 33 of 1,613,454 alleles (0.002%); highest among the groups gnomAD compares: South Asian, 0.036%; no homozygotes.

Submissions (4):

Labcorp Genetics (formerly Invitae), Labcorp
Classification: Likely benign for Marfan syndrome; Familial thoracic aortic aneurysm and aortic dissection. Last evaluated: 2026-01-02. Review status: criteria provided, single submitter. Criteria: Invitae Variant Classification Sherloc (09022015). Collection method: clinical testing. Allele origin: germline.

All of Us Research Program, National Institutes of Health
Classification: Likely benign for Marfan syndrome. Last evaluated: 2023-06-08. Review status: criteria provided, single submitter. Criteria: ACMG Guidelines, 2015. Collection method: clinical testing. Allele origin: germline. Inheritance: Autosomal dominant inheritance. Observed: 1 variant allele, 1 heterozygote.
Comment: This study involves interpretation of variants in research participants for the purpose of population health screening. Participant phenotype was not available at the time of variant classification. Additional details can be found in publication PMID: 35346344, PMCID: PMC8962531

Color Diagnostics, LLC DBA Color Health
Classification: Likely benign for Familial thoracic aortic aneurysm and aortic dissection. Last evaluated: 2021-01-19. Review status: criteria provided, single submitter. Criteria: ACMG Guidelines, 2015. Collection method: clinical testing. Allele origin: germline.

PreventionGenetics, part of Exact Sciences
Classification: Likely benign for FBN1-related condition. Last evaluated: 2023-07-20. Review status: no assertion criteria provided. Collection method: clinical testing. Allele origin: germline. Not counted in ClinVar's aggregate classification.
Comment: This variant is classified as likely benign based on ACMG/AMP sequence variant interpretation guidelines (Richards et al. 2015 PMID: 25741868, with internal and published modifications).

NM_000138.5(FBN1):c.1272A>G (p.Gln424=)

Gene: FBN1 (fibrillin 1; minus strand). Cytogenetic location: 15q21.1.
Variant type: single nucleotide variant.
Coding change: c.1272A>G on transcript NM_000138.5 (MANE Select); coding-DNA position 1272, A replaced by G.
Protein change: p.Gln424=; no amino-acid change (glutamine 424 retained).
Molecular consequence: synonymous variant.
Genome position (GRCh38, 1-based): chr15:48,516,238, T>C on the plus strand (A>G on the coding strand, the complement: FBN1 is on the minus strand). VCF-style: chr15-48516238-T-C. GRCh37 (hg19) VCF-style: chr15-48808435-T-C.
Identifiers: ClinVar variation 1172181 (VCV001172181.10), dbSNP rs763710172, ClinGen allele CA044084.